The following is an entry in ClinVar:

ClinVar aggregate classification (germline): Uncertain significance. Review status: criteria provided, multiple submitters, no conflicts (2 of 4 stars). 2 submissions from 2 submitters: Uncertain significance (2). Last evaluated 2024-11-10.

Allele frequency attached by ClinVar (database versions not stated): gnomAD exomes below 0.00001.
gnomAD v4.1: 2 of 1,614,110 alleles (0.00012%); highest among the groups gnomAD compares: Non-Finnish European, 0.00017%; no homozygotes.

Submissions (2):

GeneDx
Classification: Uncertain significance. Last evaluated: 2024-11-10. Review status: criteria provided, single submitter. Criteria: GeneDx Variant Classification Process June 2021. Collection method: clinical testing. Allele origin: germline. Affected: yes.
Comment: Not observed at significant frequency in large population cohorts (gnomAD); In silico analysis supports that this missense variant has a deleterious effect on protein structure/function; Has not been previously published as pathogenic or benign to our knowledge

Revvity Omics, Revvity
Classification: Uncertain significance. Last evaluated: 2023-06-12. Review status: criteria provided, single submitter. Criteria: ACMG Guidelines, 2015. Collection method: clinical testing. Allele origin: germline.

NM_012330.4(KAT6B):c.2902A>G (p.Met968Val)

Gene: KAT6B (lysine acetyltransferase 6B; plus strand). Cytogenetic location: 10q22.2.
Variant type: single nucleotide variant.
Coding change: c.2902A>G on transcript NM_012330.4 (MANE Select); coding-DNA position 2902, A replaced by G.
Protein change: p.Met968Val; replaces methionine 968 with valine.
Molecular consequence: missense variant.
Genome position (GRCh38, 1-based): chr10:75,021,166, A>G. VCF-style: chr10-75021166-A-G. GRCh37 (hg19) VCF-style: chr10-76780924-A-G.
Other names: c.2353A>G, p.Met785Val (NM_001256468.2, NM_001370138.1); c.2026A>G, p.Met676Val (NM_001256469.2, NM_001370139.1, NM_001370140.1 and 2 more transcripts); c.1864A>G, p.Met622Val (NM_001370132.1); c.1213A>G, p.Met405Val (NM_001370133.1); c.817A>G, p.Met273Val (NM_001370134.1); c.559A>G, p.Met187Val (NM_001370135.1); c.2902A>G, p.Met968Val (NM_001370136.1, NM_001370137.1); c.1837A>G, p.Met613Val (NM_001370143.1, NM_001370144.1); short protein forms M187V, M273V, M405V, M613V, M622V, M676V, M785V, M968V.
Identifiers: ClinVar variation 2432972 (VCV002432972.4), dbSNP rs2549164857, ClinGen allele CA377281830.